The following is an entry in ClinVar:

ClinVar aggregate classification (germline): Uncertain significance. Review status: criteria provided, multiple submitters, no conflicts (2 of 4 stars). 2 submissions from 2 submitters: Uncertain significance (2). Last evaluated 2023-04-28.

Conditions:
Hereditary cancer-predisposing syndrome. Also called: Neoplastic Syndromes, Hereditary; Tumor predisposition; Hereditary neoplastic syndrome; Hereditary Cancer Syndrome. Identifiers: Orphanet 140162, MedGen C0027672, MeSH D009386, MONDO:0015356.

Submissions (2):

Ambry Genetics
Classification: Uncertain significance for Hereditary cancer-predisposing syndrome. Last evaluated: 2023-04-28. Review status: criteria provided, single submitter. Criteria: Ambry Variant Classification Scheme 2023. Collection method: clinical testing. Allele origin: germline.
Comment: The p.T289I variant (also known as c.866C>T), located in coding exon 6 of the NTHL1 gene, results from a C to T substitution at nucleotide position 866. The threonine at codon 289 is replaced by isoleucine, an amino acid with similar properties. This amino acid position is not well conserved in available vertebrate species. In addition, this alteration is predicted to be tolerated by in silico analysis. Since supporting evidence is limited at this time, the clinical significance of this alteration remains unclear.

Labcorp Genetics (formerly Invitae), Labcorp
Classification: Uncertain significance. Last evaluated: 2023-01-20. Review status: criteria provided, single submitter. Criteria: Invitae Variant Classification Sherloc (09022015). Collection method: clinical testing. Allele origin: germline.
Comment: This sequence change replaces threonine, which is neutral and polar, with isoleucine, which is neutral and non-polar, at codon 289 of the NTHL1 protein (p.Thr289Ile). This variant is not present in population databases (gnomAD no frequency). This variant has not been reported in the literature in individuals affected with NTHL1-related conditions. ClinVar contains an entry for this variant (Variation ID: 663340). Algorithms developed to predict the effect of missense changes on protein structure and function output the following: SIFT: "Not Available"; PolyPhen-2: "Benign"; Align-GVGD: "Not Available". The isoleucine amino acid residue is found in multiple mammalian species, which suggests that this missense change does not adversely affect protein function. In summary, the available evidence is currently insufficient to determine the role of this variant in disease. Therefore, it has been classified as a Variant of Uncertain Significance.

NM_002528.7(NTHL1):c.842C>T (p.Thr281Ile)

Gene: NTHL1 (nth like DNA glycosylase 1; minus strand). Cytogenetic location: 16p13.3.
Variant type: single nucleotide variant.
Coding change: c.842C>T on transcript NM_002528.7 (MANE Select); coding-DNA position 842, C replaced by T.
Protein change: p.Thr281Ile; replaces threonine 281 with isoleucine.
Molecular consequence: missense variant.
Genome position (GRCh38, 1-based): chr16:2,039,997, G>A on the plus strand (C>T on the coding strand, the complement: NTHL1 is on the minus strand). VCF-style: chr16-2039997-G-A. GRCh37 (hg19) VCF-style: chr16-2089998-G-A.
Other names: c.842C>T, p.Thr281Ile (LRG_1366t1); c.671C>T, p.Thr224Ile (NM_001318193.2); c.512C>T, p.Thr171Ile (NM_001318194.2); short protein forms T171I, T281I, T224I.
Identifiers: ClinVar variation 663340 (VCV000663340.10), dbSNP rs748379588, ClinGen allele CA394287277.
Genomic context (GRCh38, chr16:2,039,997, plus strand): 5'-GCGGCCGGGCAGAGGGCTTGGTTGAGGCAGGCGTGGCAGCGAGGGTGCACAGGCAGACAG[G>A]TCTGCTGGCCGAAGCCCACCAAGAGTCCATTGATCTCGTGCCACAGCTCCCTGTGGGGGT-3'
Protein context (NP_002519.2, residues 271-291): NGLLVGFGQQ[Thr281Ile]CLPVHPRCHA